The following is an entry in ClinVar:

ClinVar aggregate classification (germline): Uncertain significance. Review status: criteria provided, multiple submitters, no conflicts (2 of 4 stars). 4 submissions from 4 submitters: Uncertain significance (4). Last evaluated 2024-11-26.

Conditions:
RYR1-related disorder. Also called: RYR1-related condition; RYR1-related disorders. Identifiers: MedGen CN239331.
Inborn genetic diseases. Identifiers: MedGen C0950123, MeSH D030342.
Malignant hyperthermia, susceptibility to, 1 (MHS1). Also called: RYR1-Related Malignant Hyperthermia Susceptibility; Malignant hyperthermia suceptibility 1; Anesthesia related hyperthermia; Malignant hyperpyrexia; Fulminating hyperpyrexia; Pharmacogenic myopathy. Identifiers: Orphanet 423, MedGen C2930980, MONDO:0007783, OMIM 145600.

Allele frequency attached by ClinVar (database versions not stated): TOPMed below 0.00001.
gnomAD v4.1: 5 of 1,614,086 alleles (0.00031%); highest among the groups gnomAD compares: Admixed American, 0.005%; no homozygotes.

Submissions (4):

Labcorp Genetics (formerly Invitae), Labcorp
Classification: Uncertain significance for RYR1-related disorder. Last evaluated: 2024-11-26. Review status: criteria provided, single submitter. Criteria: Invitae Variant Classification Sherloc (09022015). Collection method: clinical testing. Allele origin: germline.
Comment: This sequence change replaces asparagine, which is neutral and polar, with lysine, which is basic and polar, at codon 535 of the RYR1 protein (p.Asn535Lys). This variant is present in population databases (no rsID available, gnomAD 0.003%). This variant has not been reported in the literature in individuals affected with RYR1-related conditions. ClinVar contains an entry for this variant (Variation ID: 2170561). Invitae Evidence Modeling of protein sequence and biophysical properties (such as structural, functional, and spatial information, amino acid conservation, physicochemical variation, residue mobility, and thermodynamic stability) indicates that this missense variant is expected to disrupt RYR1 protein function with a positive predictive value of 95%. In summary, the available evidence is currently insufficient to determine the role of this variant in disease. Therefore, it has been classified as a Variant of Uncertain Significance.

Ambry Genetics
Classification: Uncertain significance for Inborn genetic diseases. Last evaluated: 2024-11-10. Review status: criteria provided, single submitter. Criteria: Ambry Variant Classification Scheme 2023. Collection method: clinical testing. Allele origin: germline.

Revvity Omics, Revvity
Classification: Uncertain significance. Last evaluated: 2024-03-01. Review status: criteria provided, single submitter. Criteria: ACMG Guidelines, 2015. Collection method: clinical testing. Allele origin: germline.

All of Us Research Program, National Institutes of Health
Classification: Uncertain significance for Malignant hyperthermia, susceptibility to, 1. Last evaluated: 2023-06-26. Review status: criteria provided, single submitter. Criteria: ACMG Guidelines, 2015. Collection method: clinical testing. Allele origin: germline. Inheritance: Autosomal dominant inheritance. Observed: 1 variant allele, 1 heterozygote.
Comment: This missense variant replaces asparagine with lysine at codon 535 of the RYR1 protein. Computational prediction suggests that this variant may have deleterious impact on protein structure and function (internally defined REVEL score threshold >= 0.7, PMID: 27666373). To our knowledge, functional studies have not been reported for this variant. This variant has not been reported in individuals affected with RYR1-related disorders in the literature. This variant has been identified in 1/251492 chromosomes in the general population by the Genome Aggregation Database (gnomAD). The available evidence is insufficient to determine the role of this variant in disease conclusively. Therefore, this variant is classified as a Variant of Uncertain Significance.

This study involves interpretation of variants in research participants for the purpose of population health screening. Participant phenotype was not available at the time of variant classification. Additional details can be found in publication PMID: 35346344, PMCID: PMC8962531

NM_000540.3(RYR1):c.1605C>A (p.Asn535Lys)

Gene: RYR1 (ryanodine receptor 1; plus strand). Cytogenetic location: 19q13.2.
Variant type: single nucleotide variant.
Coding change: c.1605C>A on transcript NM_000540.3 (MANE Select); coding-DNA position 1605, C replaced by A.
Protein change: p.Asn535Lys; replaces asparagine 535 with lysine.
Molecular consequence: missense variant.
Genome position (GRCh38, 1-based): chr19:38,455,479, C>A. VCF-style: chr19-38455479-C-A. GRCh37 (hg19) VCF-style: chr19-38946119-C-A.
Other names: c.1605C>A, p.Asn535Lys (NM_001042723.2); short protein forms N535K.
Identifiers: ClinVar variation 2170561 (VCV002170561.7), dbSNP rs768530992, ClinGen allele CA405689809.
Genomic context (GRCh38, chr19:38,455,479, plus strand): 5'-CCTATTGGATCTGACACCTCTTCCCCCCTCAGCTTCTCTAATCCGTGGCAATCGTAGCAA[C>A]TGTGCCCTCTTCTCCACAAACTTGGACTGGCTGGTCAGCAAGCTGGATCGGCTGGAGGCC-3'
Protein context (NP_000531.2, residues 525-545): LASLIRGNRS[Asn535Lys]CALFSTNLDW